The following is an entry in ClinVar:

ClinVar aggregate classification (germline): Uncertain significance (1 of 4 stars; one submission).

Conditions:
Hereditary cancer-predisposing syndrome. Also called: Hereditary Cancer Syndrome; Tumor predisposition; Hereditary neoplastic syndrome; Neoplastic Syndromes, Hereditary. Identifiers: Orphanet 140162, MedGen C0027672, MeSH D009386, MONDO:0015356.

Submission:

Ambry Genetics
Classification: Uncertain significance for Hereditary cancer-predisposing syndrome. Last evaluated: 2024-07-09. Review status: criteria provided, single submitter. Criteria: Ambry Variant Classification Scheme 2023. Collection method: clinical testing. Allele origin: germline.
Comment: The p.R272S variant (also known as c.816G>T), located in coding exon 2 of the AXIN2 gene, results from a G to T substitution at nucleotide position 816. This variant impacts the first base pair of coding exon 2. The arginine at codon 272 is replaced by serine, an amino acid with dissimilar properties. This amino acid position is highly conserved in available vertebrate species. In addition, the in silico prediction for this alteration is inconclusive. Based on the available evidence, the clinical significance of this variant remains unclear.

NM_004655.4(AXIN2):c.816G>T (p.Arg272Ser)

Gene: AXIN2 (axin 2; minus strand). Cytogenetic location: 17q24.1.
Variant type: single nucleotide variant.
Coding change: c.816G>T on transcript NM_004655.4 (MANE Select); coding-DNA position 816, G replaced by T.
Protein change: p.Arg272Ser; replaces arginine 272 with serine.
Molecular consequence: missense variant.
Genome position (GRCh38, 1-based): chr17:65,549,660, C>A on the plus strand (G>T on the coding strand, the complement: AXIN2 is on the minus strand). VCF-style: chr17-65549660-C-A. GRCh37 (hg19) VCF-style: chr17-63545778-C-A.
Other names: c.816G>T, p.Arg272Ser (NM_001363813.1); short protein forms R272S.
Identifiers: ClinVar variation 3258315 (VCV003258315.2).